The following is an entry in ClinVar:

NM_001148.6(ANK2):c.9366G>C (p.Arg3122Ser)

Gene: ANK2 (ankyrin 2; plus strand). Cytogenetic location: 4q26.
Variant type: single nucleotide variant.
Coding change: c.9366G>C on transcript NM_001148.6 (MANE Select); coding-DNA position 9366, G replaced by C.
Protein change: p.Arg3122Ser; replaces arginine 3122 with serine.
Molecular consequence: missense variant. On other transcripts: intron variant (68).
Genome position (GRCh38, 1-based): chr4:113,357,984, G>C. VCF-style: chr4-113357984-G-C. GRCh37 (hg19) VCF-style: chr4-114279140-G-C.
Other names: c.9132G>C, p.Arg3044Ser (NM_001386142.1); c.5766G>C, p.Arg1922Ser (NM_001386166.1); c.9507G>C, p.Arg3169Ser (NM_001386174.1); c.9483G>C, p.Arg3161Ser (NM_001386175.1); c.4412-2839G>C (NM_001386186.2, NM_001386148.2); c.4214-2839G>C (NM_001354269.3); c.4292-2839G>C (NM_001386187.2); c.4253-2839G>C (NM_001386147.1); and 35 more; short protein forms R1922S, R3044S, R3122S, R3161S, R3169S.
Identifiers: ClinVar variation 1695669 (VCV001695669.2), dbSNP rs1449195597, ClinGen allele CA357937185.

ClinVar aggregate classification (germline): Uncertain significance (1 of 4 stars; one submission).

Allele frequency attached by ClinVar (database versions not stated): gnomAD 0.00001.
gnomAD v4.1: 1 of 1,613,926 alleles (0.000062%); highest among the groups gnomAD compares: Admixed American, 0.0017%; no homozygotes.

Submission:

GeneDx
Classification: Uncertain significance. Last evaluated: 2022-01-06. Review status: criteria provided, single submitter. Criteria: GeneDx Variant Classification Process June 2021. Collection method: clinical testing. Allele origin: germline. Affected: yes.
Comment: Has not been previously published as pathogenic or benign to our knowledge; Not observed at significant frequency in large population cohorts (gnomAD); In silico analysis supports that this missense variant has a deleterious effect on protein structure/function; Located in exon 38, which is reported as being expressed in a brain-specific transcript (Otto et al, 1991; Cunha et al, 2008; Wu et al, 2015)